The following is an entry in ClinVar:

ClinVar aggregate classification (germline): Uncertain significance (1 of 4 stars; one submission).

Conditions:
Epileptic encephalopathy. Identifiers: MedGen C0543888, HP:0200134.

Allele frequency attached by ClinVar (database versions not stated): gnomAD 0.00001; gnomAD exomes 0.00001 and 0.00002; TOPMed 0.00001; ExAC 0.00003.
gnomAD v4.1: 17 of 1,612,180 alleles (0.0011%); highest among the groups gnomAD compares: East Asian, 0.0022%; no homozygotes.

Submission:

Labcorp Genetics (formerly Invitae), Labcorp
Classification: Uncertain significance for Epileptic encephalopathy. Last evaluated: 2023-10-13. Review status: criteria provided, single submitter. Criteria: Invitae Variant Classification Sherloc (09022015). Collection method: clinical testing. Allele origin: germline.
Comment: This sequence change replaces glutamic acid, which is acidic and polar, with lysine, which is basic and polar, at codon 1801 of the RYR3 protein (p.Glu1801Lys). This variant is present in population databases (rs777398893, gnomAD 0.009%). This variant has not been reported in the literature in individuals affected with RYR3-related conditions. ClinVar contains an entry for this variant (Variation ID: 1044845). Advanced modeling of protein sequence and biophysical properties (such as structural, functional, and spatial information, amino acid conservation, physicochemical variation, residue mobility, and thermodynamic stability) performed at Invitae indicates that this missense variant is expected to disrupt RYR3 protein function. In summary, the available evidence is currently insufficient to determine the role of this variant in disease. Therefore, it has been classified as a Variant of Uncertain Significance.

NM_001036.6(RYR3):c.5401G>A (p.Glu1801Lys)

Gene: RYR3 (ryanodine receptor 3; plus strand). Cytogenetic location: 15q14.
Variant type: single nucleotide variant.
Coding change: c.5401G>A on transcript NM_001036.6 (MANE Select); coding-DNA position 5401, G replaced by A.
Protein change: p.Glu1801Lys; replaces glutamic acid 1801 with lysine.
Molecular consequence: missense variant.
Genome position (GRCh38, 1-based): chr15:33,662,931, G>A. VCF-style: chr15-33662931-G-A. GRCh37 (hg19) VCF-style: chr15-33955132-G-A.
Other names: c.5401G>A, p.Glu1801Lys (NM_001243996.4); short protein forms E1801K.
Identifiers: ClinVar variation 1044845 (VCV001044845.8), dbSNP rs777398893, ClinGen allele CA7459235.